The following is an entry in ClinVar:

ClinVar aggregate classification (germline): Uncertain significance (1 of 4 stars; one submission).

Allele frequency attached by ClinVar (database versions not stated): gnomAD exomes below 0.00001; gnomAD 0.00001; TOPMed 0.00001.
gnomAD v4.1: 6 of 1,613,782 alleles (0.00037%); highest among the groups gnomAD compares: Admixed American, 0.0017%; no homozygotes.

Submission:

Labcorp Genetics (formerly Invitae), Labcorp
Classification: Uncertain significance. Last evaluated: 2023-12-12. Review status: criteria provided, single submitter. Criteria: Invitae Variant Classification Sherloc (09022015). Collection method: clinical testing. Allele origin: germline.
Comment: This sequence change replaces threonine, which is neutral and polar, with isoleucine, which is neutral and non-polar, at codon 374 of the EGF protein (p.Thr374Ile). This variant is not present in population databases (gnomAD no frequency). This variant has not been reported in the literature in individuals affected with EGF-related conditions. Algorithms developed to predict the effect of missense changes on protein structure and function output the following: SIFT: "Not Available"; PolyPhen-2: "Benign"; Align-GVGD: "Not Available". The isoleucine amino acid residue is found in multiple mammalian species, which suggests that this missense change does not adversely affect protein function. In summary, the available evidence is currently insufficient to determine the role of this variant in disease. Therefore, it has been classified as a Variant of Uncertain Significance.

NM_001963.6(EGF):c.1121C>T (p.Thr374Ile)

Gene: EGF (epidermal growth factor; plus strand). Cytogenetic location: 4q25.
Variant type: single nucleotide variant.
Coding change: c.1121C>T on transcript NM_001963.6 (MANE Select); coding-DNA position 1121, C replaced by T.
Protein change: p.Thr374Ile; replaces threonine 374 with isoleucine.
Molecular consequence: missense variant.
Genome position (GRCh38, 1-based): chr4:109,960,921, C>T. VCF-style: chr4-109960921-C-T. GRCh37 (hg19) VCF-style: chr4-110882077-C-T.
Other names: c.1121C>T, p.Thr374Ile (NM_001178130.3); c.995C>T, p.Thr332Ile (NM_001178131.3, NM_001357021.2); short protein forms T374I, T332I.
Identifiers: ClinVar variation 3013450 (VCV003013450.3), dbSNP rs769930395, ClinGen allele CA103719440.